The following is an entry in ClinVar:

ClinVar aggregate classification (germline): Likely benign (0 of 4 stars; one submission).

Conditions:
TBC1D8B-related disorder. Also called: TBC1D8B-related condition.

Submission:

PreventionGenetics, part of Exact Sciences
Classification: Likely benign for TBC1D8B-related condition. Last evaluated: 2019-12-30. Review status: no assertion criteria provided. Collection method: clinical testing. Allele origin: germline.
Comment: This variant is classified as likely benign based on ACMG/AMP sequence variant interpretation guidelines (Richards et al. 2015 PMID: 25741868, with internal and published modifications).

NM_017752.3(TBC1D8B):c.1838-783dup

Gene: TBC1D8B (TBC1 domain family member 8B; plus strand). Cytogenetic location: Xq22.3.
Variant type: Duplication.
Coding change: c.1838-783dup on transcript NM_017752.3 (MANE Select); 783 bases into the intron before coding-DNA position 1838, one base duplicated (T; older notation c.1838-783dupT).
Molecular consequence: intron variant.
Genome position (GRCh38, 1-based): chrX:106,849,242, T duplicated; the last of 22 consecutive T bases (chrX:106,849,221-106,849,242); duplicating any one gives the same sequence. VCF-style (leftmost placement, unchanged base first): chrX-106849220-A-AT. GRCh37 (hg19) VCF-style: chrX-106092450-A-AT.
Other names: c.1838-3dup (NM_198881.2).
Identifiers: ClinVar variation 3041732 (VCV003041732.2), dbSNP rs761948032, ClinGen allele CA10483233.